The following is an entry in ClinVar:

NM_002894.3(RBBP8):c.1724T>C (p.Leu575Ser)

Gene: RBBP8 (RB binding protein 8, endonuclease; plus strand). Cytogenetic location: 18q11.2.
Variant type: single nucleotide variant.
Coding change: c.1724T>C on transcript NM_002894.3 (MANE Select); coding-DNA position 1724, T replaced by C.
Protein change: p.Leu575Ser; replaces leucine 575 with serine.
Molecular consequence: missense variant.
Genome position (GRCh38, 1-based): chr18:22,993,551, T>C. VCF-style: chr18-22993551-T-C. GRCh37 (hg19) VCF-style: chr18-20573514-T-C.
Other names: c.1724T>C, p.Leu575Ser (NM_203291.2, NM_203292.2); short protein forms L575S.
Identifiers: ClinVar variation 2118058 (VCV002118058.4), dbSNP rs2510789220, ClinGen allele CA401778990.

ClinVar aggregate classification (germline): Uncertain significance (1 of 4 stars; one submission).

Submission:

Labcorp Genetics (formerly Invitae), Labcorp
Classification: Uncertain significance. Last evaluated: 2022-03-27. Review status: criteria provided, single submitter. Criteria: Invitae Variant Classification Sherloc (09022015). Collection method: clinical testing. Allele origin: germline.
Comment: In summary, the available evidence is currently insufficient to determine the role of this variant in disease. Therefore, it has been classified as a Variant of Uncertain Significance. Algorithms developed to predict the effect of missense changes on protein structure and function are either unavailable or do not agree on the potential impact of this missense change (SIFT: "Deleterious"; PolyPhen-2: "Benign"; Align-GVGD: "Class C0"). This variant has not been reported in the literature in individuals affected with RBBP8-related conditions. This variant is not present in population databases (gnomAD no frequency). This sequence change replaces leucine, which is neutral and non-polar, with serine, which is neutral and polar, at codon 575 of the RBBP8 protein (p.Leu575Ser).